The following is an entry in ClinVar:

ClinVar aggregate classification (germline): Uncertain significance (1 of 4 stars; one submission).

Conditions:
Meckel-Gruber syndrome. Also called: DYSENCEPHALIA SPLANCHNOCYSTICA; GRUBER SYNDROME; Dysencephalia splachnocystica. Identifiers: Orphanet 564, MedGen C0265215, MONDO:0018921.
Joubert syndrome. Also called: CEREBELLOPARENCHYMAL DISORDER IV; JOUBERT-BOLTSHAUSER SYNDROME; Familial aplasia of the vermis. Identifiers: Orphanet 475, MedGen C5979921, MONDO:0018772.

Submission:

Labcorp Genetics (formerly Invitae), Labcorp
Classification: Uncertain significance for Joubert syndrome; Meckel-Gruber syndrome. Last evaluated: 2021-11-15. Review status: criteria provided, single submitter. Criteria: Invitae Variant Classification Sherloc (09022015). Collection method: clinical testing. Allele origin: germline.
Comment: This sequence change replaces lysine, which is basic and polar, with arginine, which is basic and polar, at codon 981 of the TMEM67 protein (p.Lys981Arg). This variant is not present in population databases (gnomAD no frequency). This variant has not been reported in the literature in individuals affected with TMEM67-related conditions. Advanced modeling of protein sequence and biophysical properties (such as structural, functional, and spatial information, amino acid conservation, physicochemical variation, residue mobility, and thermodynamic stability) performed at Invitae indicates that this missense variant is not expected to disrupt TMEM67 protein function. In summary, the available evidence is currently insufficient to determine the role of this variant in disease. Therefore, it has been classified as a Variant of Uncertain Significance.

NM_153704.6(TMEM67):c.2942A>G (p.Lys981Arg)

Gene: TMEM67 (transmembrane protein 67; plus strand). Cytogenetic location: 8q22.1.
Variant type: single nucleotide variant.
Coding change: c.2942A>G on transcript NM_153704.6 (MANE Select); coding-DNA position 2942, A replaced by G.
Protein change: p.Lys981Arg; replaces lysine 981 with arginine.
Molecular consequence: missense variant. On other transcripts: non-coding transcript variant (1).
Genome position (GRCh38, 1-based): chr8:93,816,406, A>G. VCF-style: chr8-93816406-A-G. GRCh37 (hg19) VCF-style: chr8-94828634-A-G.
Other names: c.2699A>G, p.Lys900Arg (NM_001142301.1); short protein forms K900R, K981R.
Identifiers: ClinVar variation 1472364 (VCV001472364.3), dbSNP rs2130802666, ClinGen allele CA371701585.
Genomic context (GRCh38, chr8:93,816,406, plus strand): 5'-CATTCTGAATTGTTTTAATTTTCCAGATTTTTAGATATATCCGTAATACAGTAGGACAAA[A>G]GAATTTGGCATCCAAAACATTGGTGGATCAAAGATTTTTGATTTAACTTCCTGAATAAAT-3'
Protein context (NP_714915.3, residues 971-991): FRYIRNTVGQ[Lys981Arg]NLASKTLVDQ